The following is an entry in ClinVar:

NM_000372.5(TYR):c.1044del (p.Ser349fs)

Gene: TYR (tyrosinase; plus strand). Cytogenetic location: 11q14.3.
Variant type: Deletion.
Coding change: c.1044del on transcript NM_000372.5 (MANE Select); coding-DNA position 1044, one base deleted (T; older notation c.1044delT).
Protein change: p.Ser349fs; shifts the reading frame from serine 349.
Molecular consequence: frameshift variant.
Genome position (GRCh38, 1-based): chr11:89,227,830, T deleted. VCF-style (leftmost placement, unchanged base first): chr11-89227829-CT-C. GRCh37 (hg19) VCF-style: chr11-88960997-CT-C.
Other names: short protein forms S349fs.
Identifiers: ClinVar variation 5015733 (VCV005015733.1).

ClinVar aggregate classification (germline): Pathogenic (1 of 4 stars; one submission).

Conditions:
Oculocutaneous albinism type 1. Also called: Albinism 1; ALBINISM I. Identifiers: Orphanet 352731, MedGen C0268494, MONDO:0018135. Disease mechanism: loss of function.

Submission:

Myriad Genetics, Inc.
Classification: Pathogenic for Oculocutaneous albinism type 1. Last evaluated: 2026-03-26. Review status: criteria provided, single submitter. Criteria: Myriad Autosomal Dominant, Autosomal Recessive and X-Linked Classification Criteria (2023). Collection method: clinical testing. Allele origin: unknown.
Comment: NM_000372.4(TYR):c.1044delT(S349Vfs*6) is expected to be pathogenic in the context of oculocutaneous albinism, TYR-related. This variant is predicted to lead to an abnormal or absent protein product due to the creation of a premature termination codon in TYR, a gene where loss-of-function variants are known to be pathogenic. Please note: this variant was assessed in the context of healthy population screening.